The following is an entry in ClinVar:

NC_000002.11:g.(?_152484352)_152490482del

Gene: NEB (nebulin; minus strand).
Variant type: Deletion.
Identifiers: ClinVar variation 1040122 (VCV001040122.2).

ClinVar aggregate classification (germline): Uncertain significance (1 of 4 stars; one submission).

Conditions:
Nemaline myopathy 2 (NEM2). Also called: Nemaline myopathy 2, autosomal recessive. Identifiers: MedGen C1850569, MONDO:0009725, OMIM 256030.

Submission:

Labcorp Genetics (formerly Invitae), Labcorp
Classification: Uncertain significance for Nemaline myopathy 2. Last evaluated: 2020-05-23. Review status: criteria provided, single submitter. Criteria: Invitae Variant Classification Sherloc (09022015). Collection method: clinical testing. Allele origin: germline.
Comment: This variant is an in-frame deletion of the genomic region encompassing exon(s) 65-68 of the NEB gene. It preserves the integrity of the reading frame. This variant has not been reported in the literature in individuals with NEB-related conditions. Experimental studies and prediction algorithms are not available or were not evaluated, and the functional significance of this variant is currently unknown. In summary, the available evidence is currently insufficient to determine the role of this variant in disease. Therefore, it has been classified as a Variant of Uncertain Significance.